The following is an entry in ClinVar:

NM_000257.4(MYH7):c.322C>T (p.Arg108Cys)

Gene: MYH7 (myosin heavy chain 7; minus strand). Cytogenetic location: 14q11.2.
Variant type: single nucleotide variant.
Coding change: c.322C>T on transcript NM_000257.4 (MANE Select); coding-DNA position 322, C replaced by T.
Protein change: p.Arg108Cys; replaces arginine 108 with cysteine.
Molecular consequence: missense variant.
Genome position (GRCh38, 1-based): chr14:23,433,107, G>A on the plus strand (C>T on the coding strand, the complement: MYH7 is on the minus strand). VCF-style: chr14-23433107-G-A. GRCh37 (hg19) VCF-style: chr14-23902316-G-A.
Other names: short protein forms R108C.
Identifiers: ClinVar variation 937261 (VCV000937261.10), dbSNP rs1893015309, ClinGen allele CA389053090.
Genomic context (GRCh38, chr14:23,433,107, plus strand): 5'-ACAGAGATCCCAACGTAGGGCCAGGTGCAGCACTCACGTAGATCATCCAGGAGCCGTAGC[G>A]ATCCTTGAGGTTGTAGAGCACCGCGGGCTCATGCAGGAAGGTCAGCATGGCCATGTCCTC-3'
Protein context (NP_000248.2, residues 98-118): EPAVLYNLKD[Arg108Cys]YGSWMIYTYS

ClinVar aggregate classification (germline): Uncertain significance. Review status: criteria provided, multiple submitters, no conflicts (2 of 4 stars). 2 submissions from 2 submitters: Uncertain significance (2). Last evaluated 2025-09-10.

Conditions:
Hypertrophic cardiomyopathy. Also called: HYPERTROPHIC MYOCARDIOPATHY. Identifiers: Orphanet 217569, MedGen C0007194, MeSH D002312, MONDO:0005045, HP:0001639.

Allele frequency attached by ClinVar (database versions not stated): gnomAD exomes below 0.00001.
gnomAD v4.1: 2 of 1,614,136 alleles (0.00012%); highest among the groups gnomAD compares: South Asian, 0.0011%; no homozygotes.

Submissions (2):

Women's Health and Genetics/Laboratory Corporation of America, LabCorp
Classification: Uncertain significance. Last evaluated: 2025-09-10. Review status: criteria provided, single submitter. Criteria: LabCorp Variant Classification Summary - May 2015. Collection method: clinical testing. Allele origin: germline.
Comment: Variant summary: MYH7 c.322C>T (p.Arg108Cys) results in a non-conservative amino acid change in the encoded protein sequence. Algorithms developed to predict the effect of missense changes on protein structure and function all suggest that this variant is likely to be disruptive. The variant was absent in 251400 control chromosomes. The available data on variant occurrences in the general population are insufficient to allow any conclusion about variant significance. To our knowledge, no occurrence of c.322C>T in individuals affected with MYH7-related conditions and no experimental evidence demonstrating its impact on protein function have been reported. ClinVar contains an entry for this variant (Variation ID: 937261). Based on the evidence outlined above, the variant was classified as uncertain significance.

Labcorp Genetics (formerly Invitae), Labcorp
Classification: Uncertain significance for Hypertrophic cardiomyopathy. Last evaluated: 2025-07-27. Review status: criteria provided, single submitter. Criteria: Invitae Variant Classification Sherloc (09022015). Collection method: clinical testing. Allele origin: germline.
Comment: This sequence change replaces arginine, which is basic and polar, with cysteine, which is neutral and slightly polar, at codon 108 of the MYH7 protein (p.Arg108Cys). This variant is not present in population databases (gnomAD no frequency). This variant has not been reported in the literature in individuals affected with MYH7-related conditions. ClinVar contains an entry for this variant (Variation ID: 937261). Invitae Evidence Modeling of protein sequence and biophysical properties (such as structural, functional, and spatial information, amino acid conservation, physicochemical variation, residue mobility, and thermodynamic stability) indicates that this missense variant is expected to disrupt MYH7 protein function with a positive predictive value of 95%. In summary, the available evidence is currently insufficient to determine the role of this variant in disease. Therefore, it has been classified as a Variant of Uncertain Significance.

Literature cited by the submitters: PubMed 34542152 (cited by Women's Health and Genetics/Laboratory Corporation of America, LabCorp).